The following is an entry in ClinVar:

NM_006231.4(POLE):c.5972C>G (p.Ser1991Cys)

Gene: POLE (DNA polymerase epsilon, catalytic subunit; minus strand). Cytogenetic location: 12q24.33.
Variant type: single nucleotide variant.
Coding change: c.5972C>G on transcript NM_006231.4 (MANE Select); coding-DNA position 5972, C replaced by G.
Protein change: p.Ser1991Cys; replaces serine 1991 with cysteine.
Molecular consequence: missense variant.
Genome position (GRCh38, 1-based): chr12:132,634,218, G>C on the plus strand (C>G on the coding strand, the complement: POLE is on the minus strand). VCF-style: chr12-132634218-G-C. GRCh37 (hg19) VCF-style: chr12-133210804-G-C.
Other names: c.5972C>G (NM_006231.2); short protein forms S1991C.
Identifiers: ClinVar variation 646042 (VCV000646042.13), dbSNP rs1593711899, ClinGen allele CA387371472.

ClinVar aggregate classification (germline): Uncertain significance. Review status: criteria provided, multiple submitters, no conflicts (2 of 4 stars). 3 submissions from 3 submitters: Uncertain significance (3). Last evaluated 2025-11-08.

Conditions:
Hereditary cancer-predisposing syndrome. Also called: Hereditary Cancer Syndrome; Tumor predisposition; Hereditary neoplastic syndrome; Neoplastic Syndromes, Hereditary. Identifiers: Orphanet 140162, MedGen C0027672, MeSH D009386, MONDO:0015356.

Submissions (3):

Ambry Genetics
Classification: Uncertain significance for Hereditary cancer-predisposing syndrome. Last evaluated: 2025-11-08. Review status: criteria provided, single submitter. Criteria: Ambry Variant Classification Scheme 2023. Collection method: clinical testing. Allele origin: germline.
Comment: The p.S1991C variant (also known as c.5972C>G), located in coding exon 43 of the POLE gene, results from a C to G substitution at nucleotide position 5972. The serine at codon 1991 is replaced by cysteine, an amino acid with dissimilar properties. This amino acid position is conserved. In addition, the in silico prediction for this alteration is inconclusive. Since supporting evidence is limited at this time, the clinical significance of this alteration remains unclear.

Labcorp Genetics (formerly Invitae), Labcorp
Classification: Uncertain significance. Last evaluated: 2025-03-23. Review status: criteria provided, single submitter. Criteria: Invitae Variant Classification Sherloc (09022015). Collection method: clinical testing. Allele origin: germline.
Comment: This sequence change replaces serine, which is neutral and polar, with cysteine, which is neutral and slightly polar, at codon 1991 of the POLE protein (p.Ser1991Cys). This variant is not present in population databases (gnomAD no frequency). This variant has not been reported in the literature in individuals affected with POLE-related conditions. ClinVar contains an entry for this variant (Variation ID: 646042). An algorithm developed to predict the effect of missense changes on protein structure and function (PolyPhen-2) suggests that this variant is likely to be disruptive. In summary, the available evidence is currently insufficient to determine the role of this variant in disease. Therefore, it has been classified as a Variant of Uncertain Significance.

Women's Health and Genetics/Laboratory Corporation of America, LabCorp
Classification: Uncertain significance. Last evaluated: 2020-11-19. Review status: criteria provided, single submitter. Criteria: LabCorp Variant Classification Summary - May 2015. Collection method: clinical testing. Allele origin: germline.
Comment: Variant summary: POLE c.5972C>G (p.Ser1991Cys) results in a non-conservative amino acid change in the encoded protein sequence. Four of five in-silico tools predict a damaging effect of the variant on protein function. The variant was absent in 248742 control chromosomes (gnomAD). The available data on variant occurrences in the general population are insufficient to allow any conclusion about variant significance. To our knowledge, no occurrence of c.5972C>G in individuals affected with Colorectal Cancer and no experimental evidence demonstrating its impact on protein function have been reported. Co-occurrences with other pathogenic variant(s) have been reported (MSH6 c.3261dupC, p.Phe1088LeufsX5; in an internal LCA sample), providing supporting evidence for a benign role. One clinical diagnostic laboratory has submitted clinical-significance assessments for this variant to ClinVar after 2014, and classified the variant as uncertain significance. Based on the evidence outlined above, the variant was classified as uncertain significance.